The following is an entry in ClinVar:

NM_000493.4(COL10A1):c.1922T>A (p.Ile641Asn)

Genes: COL10A1 (collagen type X alpha 1 chain; minus strand), NT5DC1 (5'-nucleotidase domain containing 1; plus strand). Cytogenetic location: 6q22.1.
Variant type: single nucleotide variant.
Coding change: c.1922T>A on transcript NM_000493.4 (MANE Select); coding-DNA position 1922, T replaced by A.
Protein change: p.Ile641Asn; replaces isoleucine 641 with asparagine.
Molecular consequence: missense variant. On other transcripts: intron variant (1).
Genome position (GRCh38, 1-based): chr6:116,120,194, A>T on the plus strand (T>A on the coding strand, the complement: COL10A1 is on the minus strand). VCF-style: chr6-116120194-A-T. GRCh37 (hg19) VCF-style: chr6-116441357-A-T.
Other names: c.1922T>A, p.Ile641Asn (NM_001424106.1, NM_001424107.1); c.529+2249A>T (NM_152729.3); short protein forms I641N.
Identifiers: ClinVar variation 3898827 (VCV003898827.1).

ClinVar aggregate classification (germline): Uncertain significance (1 of 4 stars; one submission).

Submission:

GeneDx
Classification: Uncertain significance. Last evaluated: 2024-11-12. Review status: criteria provided, single submitter. Criteria: GeneDx Variant Classification Process June 2021. Collection method: clinical testing. Allele origin: germline. Affected: yes.
Comment: Not observed at significant frequency in large population cohorts (gnomAD); In silico analysis indicates that this missense variant does not alter protein structure/function; Has not been previously published as pathogenic or benign to our knowledge